The following is an entry in ClinVar:

NM_000256.3(MYBPC3):c.2927C>G (p.Pro976Arg)

Gene: MYBPC3 (myosin binding protein C3; minus strand). Cytogenetic location: 11p11.2.
Variant type: single nucleotide variant.
Coding change: c.2927C>G on transcript NM_000256.3 (MANE Select); coding-DNA position 2927, C replaced by G.
Protein change: p.Pro976Arg; replaces proline 976 with arginine.
Molecular consequence: missense variant.
Genome position (GRCh38, 1-based): chr11:47,333,989, G>C on the plus strand (C>G on the coding strand, the complement: MYBPC3 is on the minus strand). VCF-style: chr11-47333989-G-C. GRCh37 (hg19) VCF-style: chr11-47355540-G-C.
Other names: c.2927C>G, p.Pro976Arg (LRG_386t1); short protein forms P976R.
Identifiers: ClinVar variation 518241 (VCV000518241.12), dbSNP rs954096716, ClinGen allele CA221683094.

ClinVar aggregate classification (germline): Uncertain significance. Review status: criteria provided, multiple submitters, no conflicts (2 of 4 stars). 6 submissions from 6 submitters: Uncertain significance (4). 2 of the submissions do not count toward it. Last evaluated 2025-10-29.

Conditions:
Hypertrophic cardiomyopathy 4. Also called: Familial hypertrophic cardiomyopathy 4. Identifiers: MedGen C1861862, MONDO:0007268, OMIM 115197.
Hypertrophic cardiomyopathy. Also called: HYPERTROPHIC MYOCARDIOPATHY. Identifiers: Orphanet 217569, MedGen C0007194, MeSH D002312, MONDO:0005045, HP:0001639.
Cardiovascular phenotype. Identifiers: MedGen CN230736.
Cardiomyopathy (CMYO). Also called: Cardiomyopathies. Identifiers: Orphanet 167848, MedGen C0878544, MONDO:0004994, HP:0001638. Inheritance: Various modes of inheritance.
Left ventricular noncompaction 10 (LVNC10). Identifiers: Orphanet 154, Orphanet 54260, MedGen C3715165, MONDO:0014163, OMIM 615396.

Allele frequency attached by ClinVar (database versions not stated): gnomAD 0.00001; gnomAD exomes 0.00001; TOPMed 0.00001.
gnomAD v4.1: 12 of 1,582,782 alleles (0.00076%); highest among the groups gnomAD compares: Non-Finnish European, 0.001%; no homozygotes.

Submissions (6):

Labcorp Genetics (formerly Invitae), Labcorp
Classification: Uncertain significance for Hypertrophic cardiomyopathy. Last evaluated: 2025-10-29. Review status: criteria provided, single submitter. Criteria: Invitae Variant Classification Sherloc (09022015). Collection method: clinical testing. Allele origin: germline.
Comment: This sequence change replaces proline, which is neutral and non-polar, with arginine, which is basic and polar, at codon 976 of the MYBPC3 protein (p.Pro976Arg). This variant is not present in population databases (gnomAD no frequency). This missense change has been observed in individual(s) with clinical features of MYBPC3-related conditions (PMID: 21750094, 30847666). ClinVar contains an entry for this variant (Variation ID: 518241). An algorithm developed to predict the effect of missense changes on protein structure and function (PolyPhen-2) suggests that this variant is likely to be disruptive. In summary, the available evidence is currently insufficient to determine the role of this variant in disease. Therefore, it has been classified as a Variant of Uncertain Significance.

Ambry Genetics
Classification: Uncertain significance for Cardiovascular phenotype. Last evaluated: 2025-04-01. Review status: criteria provided, single submitter. Criteria: Ambry Variant Classification Scheme 2023. Collection method: clinical testing. Allele origin: germline.
Comment: The p.P976R variant (also known as c.2927C>G), located in coding exon 28 of the MYBPC3 gene, results from a C to G substitution at nucleotide position 2927. The proline at codon 976 is replaced by arginine, an amino acid with dissimilar properties. This alteration has been reported in one subject with hypertrophic cardiomyopathy (HCM) (Waldm&uuml;ller S et al. Eur. J. Heart Fail., 2011 Nov;13:1185-92). This variant was also detected in a cardiomyopathy genetic testing cohort; however, clinical details were limited, and additional cardiac variants were detected in some cases (van Lint FHM et al. Neth Heart J, 2019 Jun;27:304-309). This amino acid position is highly conserved in available vertebrate species. In addition, this alteration is predicted to be deleterious by in silico analysis. Since supporting evidence is limited at this time, the clinical significance of this alteration remains unclear.

Color Diagnostics, LLC DBA Color Health
Classification: Uncertain significance for Cardiomyopathy. Last evaluated: 2024-08-05. Review status: criteria provided, single submitter. Criteria: ACMG Guidelines, 2015. Collection method: clinical testing. Allele origin: germline.
Comment: This missense variant replaces proline with arginine at codon 976 of the MYBPC3 protein. Computational prediction tools indicate that this variant has a deleterious impact on protein structure and function. To our knowledge, functional studies have not been reported for this variant. This variant has been reported in an individual affected with hypertrophic cardiomyopathy (PMID: 21750094) and in an individual affected with non-compaction cardiomyopathy (PMID: 30847666). This variant has not been identified in the general population by the Genome Aggregation Database (gnomAD). The available evidence is insufficient to determine the role of this variant in disease conclusively. Therefore, this variant is classified as a Variant of Uncertain Significance.

Fulgent Genetics
Classification: Uncertain significance for Hypertrophic cardiomyopathy 4; Left ventricular noncompaction 10. Last evaluated: 2021-10-29. Review status: criteria provided, single submitter. Criteria: ACMG Guidelines, 2015. Collection method: clinical testing. Allele origin: unknown.

Clinical Genetics, Academic Medical Center
Classification: Uncertain significance. Review status: no assertion criteria provided. Collection method: clinical testing. Allele origin: germline. Affected: yes. Study: VKGL Data-share Consensus. Not counted in ClinVar's aggregate classification.

Diagnostic Laboratory, Department of Genetics, University Medical Center Groningen
Classification: Uncertain significance for Hypertrophic cardiomyopathy 4. Review status: no assertion criteria provided. Collection method: clinical testing. Allele origin: germline. Affected: yes. Study: VKGL Data-share Consensus. Not counted in ClinVar's aggregate classification.

Literature cited by the submitters: PubMed 21750094 (cited by 3 submitters); PubMed 30847666 (cited by 3 submitters).